The following is an entry in ClinVar:

NM_001374828.1(ARID1B):c.4400dup (p.Gln1468fs)

Gene: ARID1B (AT-rich interaction domain 1B; plus strand). Cytogenetic location: 6q25.3.
Variant type: Duplication.
Coding change: c.4400dup on transcript NM_001374828.1 (MANE Select); coding-DNA position 4400, one base duplicated (A; older notation c.4400dupA).
Protein change: p.Gln1468fs; shifts the reading frame from glutamine 1468.
Molecular consequence: frameshift variant.
Genome position (GRCh38, 1-based): chr6:157,198,828, A duplicated. VCF-style (leftmost placement, unchanged base first): chr6-157198827-C-CA. GRCh37 (hg19) VCF-style: chr6-157519961-C-CA.
Other names: c.4151dup, p.Gln1385Alafs (NM_001346813.1); c.1901dup, p.Gln635fs (NM_001363725.2); c.4280dup, p.Gln1428fs (NM_001371656.1, NM_001374820.1); c.4241dup, p.Gln1415fs (NM_017519.3); c.4031dup, p.Gln1345Alafs (NM_020732.3); c.3818dup, p.Gln1274Alafs (NM_175863.2); short protein forms Q1415fs, Q1428fs, Q1468fs, Q635fs.
Identifiers: ClinVar variation 2572988 (VCV002572988.1), dbSNP rs2538639222, ClinGen allele CA2580615812.

ClinVar aggregate classification (germline): Pathogenic (1 of 4 stars; one submission).

Conditions:
Coffin-Siris syndrome 1 (CSS1). Also called: Mental retardation, autosomal dominant 12; ARID1B-Related Coffin-Siris Syndrome. Identifiers: Orphanet 1465, MedGen C3281201, MONDO:0007617, OMIM 135900. Disease mechanism: gain of function.

Submission:

Illumina Laboratory Services, Illumina
Classification: Pathogenic for Coffin-Siris syndrome 1. Last evaluated: 2023-05-23. Review status: criteria provided, single submitter. Criteria: ICSLVariantClassificationCriteria RUGD 01 April 2020. Collection method: clinical testing. Allele origin: unknown.
Comment: The ARID1B c.4151dup (p.Gln1385AlafsTer15) variant causes a shift in the protein reading frame that is predicted to result in premature termination of the protein. Loss of normal protein function through either protein truncation or nonsense-mediated mRNA decay is expected. To our knowledge, this variant has not been reported in the peer-reviewed literature. This variant is not observed in version 2.1.1 or version 3.1.2 of the Genome Aggregation Database. This variant was confirmed in a de novo state. Based on the available evidence, the c.4151dup (p.Gln1385AlafsTer114) variant is classified as pathogenic for Coffin-Siris syndrome.